The following is an entry in ClinVar:

NM_000051.4(ATM):c.5269A>G (p.Thr1757Ala)

Gene: ATM (ATM serine/threonine kinase; plus strand). Cytogenetic location: 11q22.3.
Variant type: single nucleotide variant.
Coding change: c.5269A>G on transcript NM_000051.4 (MANE Select); coding-DNA position 5269, A replaced by G.
Protein change: p.Thr1757Ala; replaces threonine 1757 with alanine.
Molecular consequence: missense variant.
Genome position (GRCh38, 1-based): chr11:108,301,739, A>G. VCF-style: chr11-108301739-A-G. GRCh37 (hg19) VCF-style: chr11-108172466-A-G.
Other names: c.5269A>G, p.Thr1757Ala (NM_001351834.2); short protein forms T1757A.
Identifiers: ClinVar variation 825598 (VCV000825598.6), dbSNP rs1591708923, ClinGen allele CA382542579.

ClinVar aggregate classification (germline): Uncertain significance. Review status: criteria provided, multiple submitters, no conflicts (2 of 4 stars). 2 submissions from 2 submitters: Uncertain significance (2). Last evaluated 2018-06-29.

Conditions:
Hereditary cancer-predisposing syndrome. Also called: Neoplastic Syndromes, Hereditary; Tumor predisposition; Hereditary neoplastic syndrome; Hereditary Cancer Syndrome. Identifiers: Orphanet 140162, MedGen C0027672, MeSH D009386, MONDO:0015356.

Submissions (2):

Ambry Genetics
Classification: Uncertain significance for Hereditary cancer-predisposing syndrome. Last evaluated: 2018-06-29. Review status: criteria provided, single submitter. Criteria: Ambry Variant Classification Scheme 2023. Collection method: clinical testing. Allele origin: germline.
Comment: The p.T1757A variant (also known as c.5269A>G), located in coding exon 34 of the ATM gene, results from an A to G substitution at nucleotide position 5269. The threonine at codon 1757 is replaced by alanine, an amino acid with similar properties. This amino acid position is not well conserved in available vertebrate species. In addition, this alteration is predicted to be tolerated by in silico analysis. Since supporting evidence is limited at this time, the clinical significance of this alteration remains unclear.

GeneDx
Classification: Uncertain significance. Last evaluated: 2017-01-11. Review status: criteria provided, single submitter. Criteria: GeneDx Variant Classification Process June 2021. Collection method: clinical testing. Allele origin: germline. Affected: yes.
Comment: Not observed in large population cohorts (Lek et al., 2016); In silico analysis supports that this missense variant does not alter protein structure/function; Has not been previously reported as pathogenic or benign to our knowledge